The following is an entry in ClinVar:

ClinVar aggregate classification (germline): Uncertain significance (1 of 4 stars; one submission).

Allele frequency attached by ClinVar (database versions not stated): gnomAD exomes below 0.00001; TOPMed below 0.00001.
gnomAD v4.1: 6 of 1,613,044 alleles (0.00037%); highest among the groups gnomAD compares: South Asian, 0.0044%; no homozygotes.

Submission:

Labcorp Genetics (formerly Invitae), Labcorp
Classification: Uncertain significance. Last evaluated: 2023-09-09. Review status: criteria provided, single submitter. Criteria: Invitae Variant Classification Sherloc (09022015). Collection method: clinical testing. Allele origin: germline.
Comment: This variant is not present in population databases (gnomAD no frequency). In summary, the available evidence is currently insufficient to determine the role of this variant in disease. Therefore, it has been classified as a Variant of Uncertain Significance. An algorithm developed to predict the effect of missense changes on protein structure and function (PolyPhen-2) suggests that this variant is likely to be disruptive. This variant has not been reported in the literature in individuals affected with MECOM-related conditions. This sequence change replaces serine, which is neutral and polar, with phenylalanine, which is neutral and non-polar, at codon 943 of the MECOM protein (p.Ser943Phe).

NM_004991.4(MECOM):c.3392C>T (p.Ser1131Phe)

Gene: MECOM (MDS1 and EVI1 complex locus; minus strand). Cytogenetic location: 3q26.2.
Variant type: single nucleotide variant.
Coding change: c.3392C>T on transcript NM_004991.4 (MANE Select); coding-DNA position 3392, C replaced by T.
Protein change: p.Ser1131Phe; replaces serine 1131 with phenylalanine.
Molecular consequence: missense variant.
Genome position (GRCh38, 1-based): chr3:169,090,009, G>A on the plus strand (C>T on the coding strand, the complement: MECOM is on the minus strand). VCF-style: chr3-169090009-G-A. GRCh37 (hg19) VCF-style: chr3-168807797-G-A.
Other names: c.3023C>T, p.Ser1008Phe (NM_001105077.4); c.2828C>T, p.Ser943Phe (NM_001105078.4, NM_001205194.2, NM_001366469.2 and 1 more transcripts); c.2804C>T, p.Ser935Phe (NM_001163999.2, NM_001366470.2); c.2801C>T, p.Ser934Phe (NM_001164000.2, NM_001366471.2, NM_001366472.2); c.3365C>T, p.Ser1122Phe (NM_001366466.2); c.2831C>T, p.Ser944Phe (NM_001366467.2, NM_001366468.2); c.2393C>T, p.Ser798Phe (NM_001366473.2); c.1829C>T, p.Ser610Phe (NM_001366474.2); short protein forms S1122F, S610F, S798F, S1008F, S934F, S935F, S944F, S1131F.
Identifiers: ClinVar variation 2802350 (VCV002802350.3), dbSNP rs1719145673, ClinGen allele CA355067979.
Genomic context (GRCh38, chr3:169,090,009, plus strand): 5'-CGTACATGGATCTACTCTAGCTTAGTTTCTAAAGTCACCCAAGGTACTCACCTCACTGGG[G>A]ATGTCTTGCAACTCATCTCCAGGGCACTGGTTTCTTCATAGTCATCCTCAGGGTTTCCTT-3'
Protein context (NP_004982.2, residues 1121-1141): TSALEMSCKT[Ser1131Phe]PVRYKEEEYK